The following is an entry in ClinVar:

NM_001395159.1(UNC79):c.1351A>G (p.Ser451Gly)

Gene: UNC79 (unc-79 homolog, NALCN channel complex subunit; plus strand). Cytogenetic location: 14q32.12.
Variant type: single nucleotide variant.
Coding change: c.1351A>G on transcript NM_001395159.1 (MANE Select); coding-DNA position 1351, A replaced by G.
Protein change: p.Ser451Gly; replaces serine 451 with glycine.
Molecular consequence: missense variant.
Genome position (GRCh38, 1-based): chr14:93,538,217, A>G. VCF-style: chr14-93538217-A-G. GRCh37 (hg19) VCF-style: chr14-94004563-A-G.
Other names: c.1351A>G, p.Ser451Gly (NM_001346218.2); c.820A>G, p.Ser274Gly (NM_020818.5); short protein forms S274G, S451G.
Identifiers: ClinVar variation 3368694 (VCV003368694.1).
Genomic context (GRCh38, chr14:93,538,217, plus strand): 5'-CCCATCAACACGCGGGAATGCGGCGCTGAGGAGCTGGTCTGCGCCGTGGAAGCCGTGATC[A>G]GGTAACACGCAGTTTCTTAGTAGCTGCCTCTGACAACTCCACCTTGCTTTGAGCTAAGCT-3'
Protein context (NP_001382088.1, residues 441-461): ELVCAVEAVI[Ser451Gly]LLKEAEFHAE

ClinVar aggregate classification (germline): Uncertain significance (1 of 4 stars; one submission).

Submission:

GeneDx
Classification: Uncertain significance. Last evaluated: 2024-02-01. Review status: criteria provided, single submitter. Criteria: GeneDx Variant Classification Process June 2021. Collection method: clinical testing. Allele origin: germline. Affected: yes.
Comment: Not observed at significant frequency in large population cohorts (gnomAD); In silico analysis supports that this missense variant has a deleterious effect on protein structure/function; Has not been previously published as pathogenic or benign to our knowledge